The following is an entry in ClinVar:

ClinVar aggregate classification (germline): Uncertain significance (1 of 4 stars; one submission).

Conditions:
Autosomal dominant hypocalcemia 1 (HYPOC1). Also called: HYPOCALCEMIA, FAMILIAL. Identifiers: MedGen C3715128, MONDO:0011013, OMIM 601198.
Familial hypocalciuric hypercalcemia (FHH). Also called: Familial benign hypercalcemia. Identifiers: Orphanet 405, MedGen C1809471, MONDO:0018458.

Allele frequency attached by ClinVar (database versions not stated): gnomAD 0.00001; 1000 Genomes Project 30x 0.00016; 1000 Genomes Project 0.00020; TOPMed 0.00001.

Submission:

Labcorp Genetics (formerly Invitae), Labcorp
Classification: Uncertain significance for Familial hypocalciuric hypercalcemia; Autosomal dominant hypocalcemia 1. Last evaluated: 2025-04-07. Review status: criteria provided, single submitter. Criteria: Invitae Variant Classification Sherloc (09022015). Collection method: clinical testing. Allele origin: germline.
Comment: This sequence change replaces arginine, which is basic and polar, with glutamine, which is neutral and polar, at codon 795 of the CASR protein (p.Arg795Gln). This variant is not present in population databases (gnomAD no frequency). This missense change has been observed in individual(s) with hypocalciuric hypercalcemia type 1 (PMID: 26963950). ClinVar contains an entry for this variant (Variation ID: 2203423). An algorithm developed to predict the effect of missense changes on protein structure and function (PolyPhen-2) suggests that this variant is likely to be disruptive. This variant disrupts the p.Arg795 amino acid residue in CASR. Other variant(s) that disrupt this residue have been determined to be pathogenic (internal data). This suggests that this residue is clinically significant, and that variants that disrupt this residue are likely to be disease-causing. In summary, the available evidence is currently insufficient to determine the role of this variant in disease. Therefore, it has been classified as a Variant of Uncertain Significance.

Literature cited by the submitters: PubMed 26963950.

NM_000388.4(CASR):c.2384G>A (p.Arg795Gln)

Gene: CASR (calcium sensing receptor; plus strand). Cytogenetic location: 3q21.1.
Variant type: single nucleotide variant.
Coding change: c.2384G>A on transcript NM_000388.4 (MANE Select); coding-DNA position 2384, G replaced by A.
Protein change: p.Arg795Gln; replaces arginine 795 with glutamine.
Molecular consequence: missense variant.
Genome position (GRCh38, 1-based): chr3:122,284,338, G>A. VCF-style: chr3-122284338-G-A. GRCh37 (hg19) VCF-style: chr3-122003185-G-A.
Other names: c.2414G>A, p.Arg805Gln (NM_001178065.2); short protein forms R795Q, R805Q.
Identifiers: ClinVar variation 2203423 (VCV002203423.4), dbSNP rs549975115, ClinGen allele CA82748943.
Genomic context (GRCh38, chr3:122,284,338, plus strand): 5'-TCCTGATCGGCTACACCTGCCTGCTGGCTGCCATCTGCTTCTTCTTTGCCTTCAAGTCCC[G>A]GAAGCTGCCGGAGAACTTCAATGAAGCCAAGTTCATCACCTTCAGCATGCTCATCTTCTT-3'
Protein context (NP_000379.3, residues 785-805): AICFFFAFKS[Arg795Gln]KLPENFNEAK